The following is an entry in ClinVar:

ClinVar aggregate classification (germline): Uncertain significance (1 of 4 stars; one submission).

Conditions:
Bernard-Soulier syndrome, type A2, autosomal dominant (BSSA2). Also called: Bernard-Soulier syndrome, type A2 (dominant). Identifiers: Orphanet 274, MedGen C3277076, MONDO:0007930, OMIM 153670.

Submission:

ISTH-SSC Genomics in Thrombosis and Hemostasis, KU Leuven, Center for Molecular and Vascular Biology
Classification: Uncertain significance for Bernard-Soulier syndrome, type A2, autosomal dominant. Review status: criteria provided, single submitter. Criteria: ACMG Guidelines, 2015. Collection method: clinical testing. Allele origin: germline. Affected: yes. Observed: 1 heterozygote.
Comment: Submitted to the GoldVariant database by Dr Marie-Christine Morel-Kopp; Northern Blood Research Centre, Sydney, Australia

NM_000173.7(GP1BA):c.638T>C (p.Leu213Pro)

Gene: GP1BA (glycoprotein Ib platelet subunit alpha; plus strand). Cytogenetic location: 17p13.2.
Variant type: single nucleotide variant.
Coding change: c.638T>C on transcript NM_000173.7 (MANE Select); coding-DNA position 638, T replaced by C.
Protein change: p.Leu213Pro; replaces leucine 213 with proline.
Molecular consequence: missense variant.
Genome position (GRCh38, 1-based): chr17:4,933,242, T>C. VCF-style: chr17-4933242-T-C. GRCh37 (hg19) VCF-style: chr17-4836537-T-C.
Other names: short protein forms L213P.
Identifiers: ClinVar variation 2572104 (VCV002572104.1), dbSNP rs2507592721, ClinGen allele CA397317826.